The following is an entry in ClinVar:

ClinVar aggregate classification (germline): Uncertain significance. Review status: criteria provided, multiple submitters, no conflicts (2 of 4 stars). 2 submissions from 2 submitters: Uncertain significance (2). Last evaluated 2026-01-05.

Allele frequency attached by ClinVar (database versions not stated): gnomAD 0.00002 and 0.00007; TOPMed 0.00003; gnomAD exomes 0.00012 and 0.00018; ExAC 0.00013; 1000 Genomes Project 30x 0.00047; 1000 Genomes Project 0.00060.
gnomAD v4.1: 267 of 1,612,242 alleles (0.017%); highest among the groups gnomAD compares: East Asian, 0.58%; no homozygotes.

Submissions (2):

Labcorp Genetics (formerly Invitae), Labcorp
Classification: Uncertain significance. Last evaluated: 2026-01-05. Review status: criteria provided, single submitter. Criteria: Invitae Variant Classification Sherloc (09022015). Collection method: clinical testing. Allele origin: germline.
Comment: This sequence change replaces isoleucine, which is neutral and non-polar, with threonine, which is neutral and polar, at codon 103 of the SPPL2A protein (p.Ile103Thr). This variant is present in population databases (rs142491885, gnomAD 0.1%), and has an allele count higher than expected for a pathogenic variant. This variant has not been reported in the literature in individuals affected with SPPL2A-related conditions. ClinVar contains an entry for this variant (Variation ID: 1464314). An algorithm developed to predict the effect of missense changes on protein structure and function (PolyPhen-2) suggests that this variant is likely to be tolerated. In summary, the available evidence is currently insufficient to determine the role of this variant in disease. Therefore, it has been classified as a Variant of Uncertain Significance.

Blueprint Genetics
Classification: Uncertain significance. Last evaluated: 2022-12-16. Review status: criteria provided, single submitter. Criteria: ACMG Guidelines, 2015. Collection method: clinical testing. Allele origin: germline.

NM_032802.4(SPPL2A):c.308T>C (p.Ile103Thr)

Gene: SPPL2A (signal peptide peptidase like 2A; minus strand). Cytogenetic location: 15q21.2.
Variant type: single nucleotide variant.
Coding change: c.308T>C on transcript NM_032802.4 (MANE Select); coding-DNA position 308, T replaced by C.
Protein change: p.Ile103Thr; replaces isoleucine 103 with threonine.
Molecular consequence: missense variant.
Genome position (GRCh38, 1-based): chr15:50,748,740, A>G on the plus strand (T>C on the coding strand, the complement: SPPL2A is on the minus strand). VCF-style: chr15-50748740-A-G. GRCh37 (hg19) VCF-style: chr15-51040937-A-G.
Other names: short protein forms I103T.
Identifiers: ClinVar variation 1464314 (VCV001464314.7), dbSNP rs142491885, ClinGen allele CA7558536.